The following is an entry in ClinVar:

NM_001267550.2(TTN):c.61138C>A (p.Leu20380Met)

Genes: TTN (titin; minus strand), TTN-AS1 (TTN antisense RNA 1; plus strand). Cytogenetic location: 2q31.2.
Variant type: single nucleotide variant.
Coding change: c.61138C>A on transcript NM_001267550.2 (MANE Select); coding-DNA position 61138, C replaced by A.
Protein change: p.Leu20380Met; replaces leucine 20380 with methionine.
Molecular consequence: missense variant.
Genome position (GRCh38, 1-based): chr2:178,590,587, G>T on the plus strand (C>A on the coding strand, the complement: TTN is on the minus strand). VCF-style: chr2-178590587-G-T. GRCh37 (hg19) VCF-style: chr2-179455314-G-T.
Other names: p.Leu18739Met; c.56215C>A, p.Leu18739Met (NM_001256850.1); c.33943C>A, p.Leu11315Met (NM_003319.4); c.53434C>A, p.Leu17812Met (NM_133378.4); c.34318C>A, p.Leu11440Met (NM_133432.3); c.34519C>A, p.Leu11507Met (NM_133437.4); short protein forms L17812M, L20380M, L18739M, L11315M, L11440M, L11507M.
Identifiers: ClinVar variation 165924 (VCV000165924.39), dbSNP rs201167216, ClinGen allele CA211117.
Genomic context (GRCh38, chr2:178,590,587, plus strand): 5'-CACCATCACTGAGAGGCTTTGTCCACACCAAATCAGCTGTTTCTCTGCTCTTGTCTTTCA[G>T]TTTAGGATTAATAGGTGGTCCAGGTGGTTTGATGGGCCGGCAAGCTTTTATTGGATCAGA-3'
Protein context (NP_001254479.2, residues 20370-20390): KPPGPPINPK[Leu20380Met]KDKSRETADL

ClinVar aggregate classification (germline): Conflicting classifications of pathogenicity. Review status: criteria provided, conflicting classifications (1 of 4 stars). 20 submissions from 16 submitters: Uncertain significance (2); Benign (5); Likely benign (10). 3 of the submissions do not count toward it. Last evaluated 2026-01-31.

Conditions:
TTN-related disorder. Also called: TTN-related disorders; TTN-related condition; TTN-related disease.
Cardiovascular phenotype. Identifiers: MedGen CN230736.
Dilated cardiomyopathy 1G (CMD1G). Identifiers: Orphanet 154, MedGen C1858763, MONDO:0011400, OMIM 604145.
Autosomal recessive limb-girdle muscular dystrophy type 2J (LGMDR10). Also called: MUSCULAR DYSTROPHY, LIMB-GIRDLE, AUTOSOMAL RECESSIVE 10; Limb-girdle muscular dystrophy, type 2J. Identifiers: Orphanet 140922, MedGen C1837342, MONDO:0012127, OMIM 608807.
Cardiomyopathy (CMYO). Also called: Cardiomyopathies. Identifiers: Orphanet 167848, MedGen C0878544, MONDO:0004994, HP:0001638. Inheritance: Various modes of inheritance.
Early-onset myopathy with fatal cardiomyopathy (CMYO5). Also called: CONGENITAL MYOPATHY 5 WITH CARDIOMYOPATHY; Salih Myopathy. Identifiers: Orphanet 289377, MedGen C2673677, MONDO:0012714, OMIM 611705. Disease mechanism: loss of function.
Myopathy, myofibrillar, 9, with early respiratory failure (MFM9). Also called: Hereditary myopathy with early respiratory failure; EDSTROM MYOPATHY; Myopathy, distal, with early respiratory failure, autosomal dominant; MYOPATHY, PROXIMAL, WITH EARLY RESPIRATORY MUSCLE INVOLVEMENT. Identifiers: Orphanet 178464, Orphanet 34521, MedGen C1863599, MONDO:0011362, OMIM 603689.
Tibial muscular dystrophy (TMD). Also called: Udd Distal Myopathy – Tibial Muscular Dystrophy; Tibial muscular dystrophy, tardive; UDD MYOPATHY. Identifiers: Orphanet 609, MedGen C1838244, MONDO:0010870, OMIM 600334.

Allele frequency attached by ClinVar (database versions not stated): ExAC 0.00031; gnomAD exomes 0.00027; ESP Exome Variant Server 0.00083; TOPMed 0.00119; 1000 Genomes Project 0.00180; 1000 Genomes Project 30x 0.00187; gnomAD 0.00105.
gnomAD v4.1: 300 of 1,612,630 alleles (0.019%); highest among the groups gnomAD compares: African/African-American, 0.35%; 1 homozygote.

Submissions (20):

Labcorp Genetics (formerly Invitae), Labcorp
Classification: Likely benign for Dilated cardiomyopathy 1G; Autosomal recessive limb-girdle muscular dystrophy type 2J. Last evaluated: 2026-01-31. Review status: criteria provided, single submitter. Criteria: Invitae Variant Classification Sherloc (09022015). Collection method: clinical testing. Allele origin: germline.

Women's Health and Genetics/Laboratory Corporation of America, LabCorp
Classification: Likely benign. Last evaluated: 2025-12-19. Review status: criteria provided, single submitter. Criteria: LabCorp Variant Classification Summary - May 2015. Collection method: clinical testing. Allele origin: germline.
Comment: Variant summary: TTN c.53434C>A (p.Leu17812Met) results in a conservative amino acid change located in the A-band of the encoded protein sequence. Algorithms developed to predict the effect of missense changes on protein structure and function are either unavailable or do not agree on the potential impact of this missense change. The variant allele was found at a frequency of 0.00027 in 247466 control chromosomes, predominantly at a frequency of 0.0038 within the African or African-American subpopulation in the gnomAD database. The observed variant frequency within African or African-American control individuals in the gnomAD database exceeds the estimated maximal expected allele frequency for disease-causing variants in TTN. To our knowledge, no occurrence of c.53434C>A in individuals affected with TTN-related conditions and no experimental evidence demonstrating its impact on protein function have been reported. ClinVar contains an entry for this variant (Variation ID: 165924). Based on the evidence outlined above, the variant was classified as likely benign.

Mayo Clinic Laboratories, Mayo Clinic
Classification: Likely benign. Last evaluated: 2025-10-02. Review status: criteria provided, single submitter. Criteria: ACMG Guidelines, 2015. Collection method: clinical testing. Allele origin: germline. Observed: 2 variant alleles.
Comment: BS1, BP4_moderate

Molecular Diagnostic Laboratory for Inherited Cardiovascular Disease, Montreal Heart Institute
Classification: Likely benign. Last evaluated: 2025-04-09. Review status: criteria provided, single submitter. Criteria: ACMG Guidelines, 2015. Collection method: clinical testing. Allele origin: germline. Affected: no.

Blueprint Genetics
Classification: Likely benign. Last evaluated: 2024-09-02. Review status: criteria provided, single submitter. Criteria: ACMG Guidelines, 2015. Collection method: clinical testing. Allele origin: germline.

ARUP Laboratories, Molecular Genetics and Genomics, ARUP Laboratories
Classification: Likely benign. Last evaluated: 2024-07-22. Review status: criteria provided, single submitter. Criteria: ARUP Molecular Germline Variant Investigation Process 2024. Collection method: clinical testing. Allele origin: germline.

Ambry Genetics
Classification: Likely benign for Cardiovascular phenotype. Last evaluated: 2024-04-22. Review status: criteria provided, single submitter. Criteria: Ambry Variant Classification Scheme 2023. Collection method: clinical testing. Allele origin: germline.

Athena Diagnostics
Classification: Benign. Last evaluated: 2019-06-30. Review status: criteria provided, single submitter. Criteria: Athena Diagnostics Criteria. Collection method: clinical testing. Allele origin: germline.

CHEO Genetics Diagnostic Laboratory, Children's Hospital of Eastern Ontario
Classification: Benign for Cardiomyopathy. Last evaluated: 2018-03-29. Review status: criteria provided, single submitter. Criteria: ACMG Guidelines, 2015. Collection method: clinical testing. Allele origin: germline.

Illumina Laboratory Services, Illumina
Classification: Likely benign for Dilated cardiomyopathy 1G. Last evaluated: 2017-09-24. Review status: criteria provided, single submitter. Criteria: ICSL Variant Classification Criteria 13 December 2019. Collection method: clinical testing. Allele origin: germline.
Comment: This variant was observed as part of a predisposition screen in an ostensibly healthy population. A literature search was performed for the gene, cDNA change, and amino acid change (where applicable). No publications were found based on this search. Allele frequency data from public databases allowed determination this variant is unlikely to cause disease. Therefore, this variant is classified as likely benign.

Illumina Laboratory Services, Illumina
Classification: Benign for Tibial muscular dystrophy. Last evaluated: 2017-09-24. Review status: criteria provided, single submitter. Criteria: ICSL Variant Classification Criteria 13 December 2019. Collection method: clinical testing. Allele origin: germline.
Comment: This variant was observed as part of a predisposition screen in an ostensibly healthy population. A literature search was performed for the gene, cDNA change, and amino acid change (where applicable). No publications were found based on this search. Allele frequency data from public databases was too high to be consistent with this variant causing disease. Therefore, this variant is classified as benign.

Illumina Laboratory Services, Illumina
Classification: Benign for Myopathy, myofibrillar, 9, with early respiratory failure. Last evaluated: 2017-09-24. Review status: criteria provided, single submitter. Criteria: ICSL Variant Classification Criteria 13 December 2019. Collection method: clinical testing. Allele origin: germline.
Comment: the same text as in the submission from Illumina Laboratory Services, Illumina above.

Illumina Laboratory Services, Illumina
Classification: Uncertain significance for Autosomal recessive limb-girdle muscular dystrophy type 2J. Last evaluated: 2017-04-28. Review status: criteria provided, single submitter. Criteria: ICSL Variant Classification Criteria 13 December 2019. Collection method: clinical testing. Allele origin: germline.

Illumina Laboratory Services, Illumina
Classification: Uncertain significance for Early-onset myopathy with fatal cardiomyopathy. Last evaluated: 2017-04-28. Review status: criteria provided, single submitter. Criteria: ICSL Variant Classification Criteria 13 December 2019. Collection method: clinical testing. Allele origin: germline.

Laboratory for Molecular Medicine, Mass General Brigham Personalized Medicine
Classification: Likely benign. Last evaluated: 2015-10-22. Review status: criteria provided, single submitter. Criteria: LMM Criteria. Collection method: clinical testing. Allele origin: germline. Observed: 4 variant alleles.
Comment: p.Leu17812Met in exon 253 of TTN: This variant is not expected to have clinical significance because it has been identified in 0.4% (35/9634) of African chromos omes by the Exome Aggregation Consortium (ExAC; dbSNP rs201167216).

Eurofins Ntd Llc (ga)
Classification: Likely benign. Last evaluated: 2015-09-10. Review status: criteria provided, single submitter. Criteria: EGL Classification Definitions 2015. Collection method: clinical testing. Allele origin: germline. Observed: 1 variant allele, 1 heterozygote.

GeneDx
Classification: Benign. Last evaluated: 2014-10-07. Review status: criteria provided, single submitter. Criteria: GeneDx Variant Classification (06012015). Collection method: clinical testing. Allele origin: germline. Affected: yes.
Comment: This variant is considered likely benign or benign based on one or more of the following criteria: it is a conservative change, it occurs at a poorly conserved position in the protein, it is predicted to be benign by multiple in silico algorithms, and/or has population frequency not consistent with disease.

PreventionGenetics, part of Exact Sciences
Classification: Likely benign for TTN-related condition. Last evaluated: 2022-02-09. Review status: no assertion criteria provided. Collection method: clinical testing. Allele origin: germline. Not counted in ClinVar's aggregate classification.
Comment: This variant is classified as likely benign based on ACMG/AMP sequence variant interpretation guidelines (Richards et al. 2015 PMID: 25741868, with internal and published modifications).

Clinical Genetics DNA and cytogenetics Diagnostics Lab, Erasmus MC, Erasmus Medical Center
Classification: Likely benign. Review status: no assertion criteria provided. Collection method: clinical testing. Allele origin: germline. Affected: yes. Study: VKGL Data-share Consensus. Not counted in ClinVar's aggregate classification.

Clinical Genetics, Academic Medical Center
Classification: Benign. Review status: no assertion criteria provided. Collection method: clinical testing. Allele origin: germline. Affected: yes. Study: VKGL Data-share Consensus. Not counted in ClinVar's aggregate classification.